The following is an entry in ClinVar:

ClinVar aggregate classification (germline): Uncertain significance (1 of 4 stars; one submission).

gnomAD v4.1: 3 of 1,613,938 alleles (0.00019%); highest among the groups gnomAD compares: Non-Finnish European, 0.00025%; no homozygotes.

Submission:

Women's Health and Genetics/Laboratory Corporation of America, LabCorp
Classification: Uncertain significance. Last evaluated: 2025-04-25. Review status: criteria provided, single submitter. Criteria: LabCorp Variant Classification Summary - May 2015. Collection method: clinical testing. Allele origin: germline.
Comment: Variant summary: WDR73 c.247G>A (p.Asp83Asn) results in a conservative amino acid change in the encoded protein sequence. Three of five in-silico tools predict a benign effect of the variant on protein function. The variant was absent in 249226 control chromosomes (gnomAD). The available data on variant occurrences in the general population are insufficient to allow any conclusion about variant significance. To our knowledge, no occurrence of c.247G>A in individuals affected with Galloway-Mowat Syndrome 1 and no experimental evidence demonstrating its impact on protein function have been reported. No submitters have cited clinical-significance assessments for this variant to ClinVar. Based on the evidence outlined above, the variant was classified as uncertain significance.

NM_032856.5(WDR73):c.247G>A (p.Asp83Asn)

Gene: WDR73 (WD repeat domain 73; minus strand). Cytogenetic location: 15q25.2.
Variant type: single nucleotide variant.
Coding change: c.247G>A on transcript NM_032856.5 (MANE Select); coding-DNA position 247, G replaced by A.
Protein change: p.Asp83Asn; replaces aspartic acid 83 with asparagine.
Molecular consequence: missense variant. On other transcripts: non-coding transcript variant (3).
Genome position (GRCh38, 1-based): chr15:84,648,577, C>T on the plus strand (G>A on the coding strand, the complement: WDR73 is on the minus strand). VCF-style: chr15-84648577-C-T. GRCh37 (hg19) VCF-style: chr15-85191808-C-T.
Other names: short protein forms D83N.
Identifiers: ClinVar variation 3896626 (VCV003896626.2).
Genomic context (GRCh38, chr15:84,648,577, plus strand): 5'-GATCACAAAATTGACCATACCTGGTATGTGGCACATGCTTTAGATCAAAGATAGACCTGT[C>T]TGAAAATCCTCCATGGCGCACTTTGAAATCTCTTTCTGGGAATAAGCCCTAAAATACAAA-3'
Protein context (NP_116245.2, residues 73-93): DFKVRHGGFS[Asp83Asn]RSIFDLKHVP